The following is an entry in ClinVar:

ClinVar aggregate classification (germline): Pathogenic. Review status: criteria provided, multiple submitters, no conflicts (2 of 4 stars). 6 submissions from 6 submitters: Pathogenic (6). Last evaluated 2025-05-05.

Conditions:
Hereditary nonpolyposis colorectal neoplasms. Identifiers: MedGen C0009405, MeSH D003123.
Hereditary cancer-predisposing syndrome. Also called: Hereditary neoplastic syndrome; Tumor predisposition; Neoplastic Syndromes, Hereditary; Hereditary Cancer Syndrome. Identifiers: Orphanet 140162, MedGen C0027672, MeSH D009386, MONDO:0015356.
Lynch syndrome 4 (LYNCH4). Also called: Hereditary non-polyposis colorectal cancer, type 4; Colorectal cancer, hereditary nonpolyposis, type 4. Identifiers: Orphanet 144, MedGen C1838333, MONDO:0013699, OMIM 614337. Disease mechanism: loss of function.

Submissions (6):

Unidad de Genética Molecular HGU Elche, Hospital General Universitario de Elche
Classification: Pathogenic for Hereditary cancer-predisposing syndrome. Last evaluated: 2025-05-05. Review status: criteria provided, single submitter. Criteria: ACMG Guidelines, 2015. Collection method: clinical testing. Allele origin: germline. Affected: yes.
Comment: PVS1 very strong; PP5 strong; PM2 supporting

Molecular Diagnostics Laboratory, Catalan Institute of Oncology
Classification: Pathogenic for Hereditary cancer-predisposing syndrome. Last evaluated: 2024-09-19. Review status: criteria provided, single submitter. Criteria: MMR VCEP Paper Draft V3.1. Collection method: clinical testing. Allele origin: germline.
Comment: PVS1, PM2_Supporting, PP4_Moderate c.717_723dup, located in exon 7 of the PMS2 gene, consists in the duplication of 7 nucleotides, causing a translational frameshift with a predicted alternate stop codon, p.(Phe242Hisfs*9). This alteration is expected to result in loss of function by premature protein truncation and nonsense-mediated mRNA decay (PVS1). It is not present in the population database gnomAD v2.1.1, non-cancer dataset (PM2_supporting). To our knowledge, neither relevant clinical data nor well-established functional studies have been reported for this variant. It has been identified in multiple individuals with colorectal cancer whose tumours showed loss of PMS2 protein expression on immunohistochemistry (Internal data) (PP4_moderate). This variant has been reported in the ClinVar database (6x pathogenic) but it has not been identified either in InSiGHT or LOVD databases. Based on currently available information, the variant c.717_723dup should be considered a pathogenic variant.

Ambry Genetics
Classification: Pathogenic for Hereditary cancer-predisposing syndrome. Last evaluated: 2024-06-20. Review status: criteria provided, single submitter. Criteria: Ambry Variant Classification Scheme 2023. Collection method: clinical testing. Allele origin: germline.
Comment: The c.717_723dupCATTCCT pathogenic mutation, located in coding exon 7 of the PMS2 gene, results from a duplication of CATTCCT at nucleotide position 717, causing a translational frameshift with a predicted alternate stop codon (p.F242Hfs*9). This variant is considered to be rare based on population cohorts in the Genome Aggregation Database (gnomAD). This alteration is expected to result in loss of function by premature protein truncation or nonsense-mediated mRNA decay. As such, this alteration is interpreted as a disease-causing mutation.

Labcorp Genetics (formerly Invitae), Labcorp
Classification: Pathogenic for Hereditary nonpolyposis colorectal neoplasms. Last evaluated: 2024-02-13. Review status: criteria provided, single submitter. Criteria: Invitae Variant Classification Sherloc (09022015). Collection method: clinical testing. Allele origin: germline.
Comment: This sequence change creates a premature translational stop signal (p.Phe242Hisfs*9) in the PMS2 gene. It is expected to result in an absent or disrupted protein product. Loss-of-function variants in PMS2 are known to be pathogenic (PMID: 21376568, 24362816). This variant is not present in population databases (gnomAD no frequency). This variant has not been reported in the literature in individuals affected with PMS2-related conditions. ClinVar contains an entry for this variant (Variation ID: 656308). For these reasons, this variant has been classified as Pathogenic.

Myriad Genetics, Inc.
Classification: Pathogenic for Lynch syndrome 4. Last evaluated: 2023-09-19. Review status: criteria provided, single submitter. Criteria: Myriad Autosomal Dominant, Autosomal Recessive and X-Linked Classification Criteria (2023). Collection method: clinical testing. Allele origin: unknown.
Comment: This variant is considered pathogenic. This variant creates a frameshift predicted to result in premature protein truncation.

Baylor Genetics
Classification: Pathogenic for Lynch syndrome 4. Last evaluated: 2022-09-27. Review status: criteria provided, single submitter. Criteria: ACMG Guidelines, 2015. Collection method: clinical testing. Allele origin: unknown.

Literature cited by the submitters: PubMed 21376568 (cited by Labcorp Genetics (formerly Invitae), Labcorp); PubMed 24362816 (cited by Labcorp Genetics (formerly Invitae), Labcorp).

NM_000535.7(PMS2):c.717_723dup (p.Phe242fs)

Gene: PMS2 (PMS1 homolog 2, mismatch repair system component; minus strand). Cytogenetic location: 7p22.1.
Variant type: Duplication.
Coding change: c.717_723dup on transcript NM_000535.7 (MANE Select); coding-DNA positions 717 to 723, 7 bases duplicated (CATTCCT; older notation c.717_723dupCATTCCT).
Protein change: p.Phe242fs; shifts the reading frame from phenylalanine 242.
Molecular consequence: frameshift variant. On other transcripts: 5 prime UTR variant (2), non-coding transcript variant (1).
Genome position (GRCh38, 1-based): chr7:5,997,406-5,997,412, AGGAATG duplicated on the plus strand (CATTCCT on the coding strand, the reverse complement: PMS2 is on the minus strand); duplicating any 7 consecutive bases within chr7:5,997,406-5,997,415 gives the same sequence; the c. name uses the placement nearest the transcript's 3' end. VCF-style (leftmost placement, unchanged base first): chr7-5997405-A-AAGGAATG. GRCh37 (hg19) VCF-style: chr7-6037036-A-AAGGAATG.
Other names: c.717_723dup, p.Phe242fs (NM_001322014.2, NM_001322006.2); c.312_318dup, p.Phe107fs (NM_001322009.2, NM_001322010.2, NM_001322003.2 and 2 more transcripts); c.-217_-211dup (NM_001322011.2, NM_001322012.2); c.144_150dup, p.Phe51fs (NM_001322013.2); c.408_414dup, p.Phe139fs (NM_001322015.2); c.399_405dup, p.Phe136fs (NM_001322007.2, NM_001322008.2); short protein forms F242fs, F107fs, F51fs, F136fs, F139fs.
Identifiers: ClinVar variation 656308 (VCV000656308.14), dbSNP rs1583375182, ClinGen allele CA915944833.